The following is an entry in ClinVar:

ClinVar aggregate classification (germline): Likely benign. Review status: criteria provided, multiple submitters, no conflicts (2 of 4 stars). 3 submissions from 3 submitters: Likely benign (3). Last evaluated 2026-07-14.

Conditions:
PEX6-related disorder. Also called: PEX6-related condition; PEX6-related disorders.
Peroxisome biogenesis disorder. Identifiers: Orphanet 79189, MedGen C1832200, MONDO:0019234. Disease mechanism: loss of function.

Allele frequency attached by ClinVar (database versions not stated): gnomAD exomes below 0.00001; ExAC 0.00002.

Submissions (3):

PreventionGenetics, part of Exact Sciences
Classification: Likely benign for PEX6-related condition. Last evaluated: 2026-07-14. Review status: criteria provided, single submitter. Criteria: ACMG Guidelines, 2015. Collection method: clinical testing. Allele origin: germline.
Comment: This variant is classified as likely benign based on ACMG/AMP sequence variant interpretation guidelines (Richards et al. 2015 PMID: 25741868, with internal and published modifications).

Labcorp Genetics (formerly Invitae), Labcorp
Classification: Likely benign for Peroxisome biogenesis disorder. Last evaluated: 2024-01-30. Review status: criteria provided, single submitter. Criteria: Invitae Variant Classification Sherloc (09022015). Collection method: clinical testing. Allele origin: germline.

Blueprint Genetics
Classification: Likely benign. Last evaluated: 2019-08-30. Review status: criteria provided, single submitter. Criteria: ACMG Guidelines, 2015. Collection method: clinical testing. Allele origin: germline.

NM_000287.4(PEX6):c.1698C>T (p.Pro566=)

Gene: PEX6 (peroxisomal biogenesis factor 6; minus strand). Cytogenetic location: 6p21.1.
Variant type: single nucleotide variant.
Coding change: c.1698C>T on transcript NM_000287.4 (MANE Select); coding-DNA position 1698, C replaced by T.
Protein change: p.Pro566=; no amino-acid change (proline 566 retained).
Molecular consequence: synonymous variant. On other transcripts: non-coding transcript variant (1).
Genome position (GRCh38, 1-based): chr6:42,967,554, G>A on the plus strand (C>T on the coding strand, the complement: PEX6 is on the minus strand). VCF-style: chr6-42967554-G-A. GRCh37 (hg19) VCF-style: chr6-42935292-G-A.
Other names: c.1434C>T, p.Pro478= (NM_001316313.2); c.1698C>T (NM_000287.3).
Identifiers: ClinVar variation 1128660 (VCV001128660.13), dbSNP rs745479170, ClinGen allele CA3811239.